The following is an entry in ClinVar:

NM_019066.5(MAGEL2):c.1742A>C (p.His581Pro)

Gene: MAGEL2 (MAGE family member L2; minus strand). Cytogenetic location: 15q11.2.
Variant type: single nucleotide variant.
Coding change: c.1742A>C on transcript NM_019066.5 (MANE Select); coding-DNA position 1742, A replaced by C.
Protein change: p.His581Pro; replaces histidine 581 with proline.
Molecular consequence: missense variant.
Genome position (GRCh38, 1-based): chr15:23,646,001, T>G on the plus strand (A>C on the coding strand, the complement: MAGEL2 is on the minus strand). VCF-style: chr15-23646001-T-G. GRCh37 (hg19) VCF-style: chr15-23891148-T-G.
Other names: c.1742A>C (NM_019066.4); short protein forms H581P.
Identifiers: ClinVar variation 2186139 (VCV002186139.10), dbSNP rs751478832, ClinGen allele CA7430026.

ClinVar aggregate classification (germline): Uncertain significance. Review status: criteria provided, multiple submitters, no conflicts (2 of 4 stars). 4 submissions from 4 submitters: Uncertain significance (3). 1 of the submissions does not count toward it. Last evaluated 2025-09-01.

Conditions:
MAGEL2-related disorder. Also called: MAGEL2-related condition.
Schaaf-Yang syndrome (SHFYNG). Also called: Arthrogryposis, distal, with hypopituitarism, intellectual disability, and facial anomalies; MAGEL2-related Prader-Willi-like syndrome. Identifiers: Orphanet 398069, MedGen C5575066, MONDO:0014243, OMIM 615547.
Inborn genetic diseases. Identifiers: MedGen C0950123, MeSH D030342.

Allele frequency attached by ClinVar (database versions not stated): TOPMed 0.00003; gnomAD 0.00004; 1000 Genomes Project 30x 0.00016.

Submissions (4):

Labcorp Genetics (formerly Invitae), Labcorp
Classification: Uncertain significance. Last evaluated: 2025-09-01. Review status: criteria provided, single submitter. Criteria: Invitae Variant Classification Sherloc (09022015). Collection method: clinical testing. Allele origin: germline.
Comment: This sequence change replaces histidine, which is basic and polar, with proline, which is neutral and non-polar, at codon 581 of the MAGEL2 protein (p.His581Pro). This variant is present in population databases (rs751478832, gnomAD 0.008%). This variant has not been reported in the literature in individuals affected with MAGEL2-related conditions. ClinVar contains an entry for this variant (Variation ID: 2186139). Invitae Evidence Modeling of protein sequence and biophysical properties (such as structural, functional, and spatial information, amino acid conservation, physicochemical variation, residue mobility, and thermodynamic stability) indicates that this missense variant is not expected to disrupt MAGEL2 protein function with a negative predictive value of 80%. In summary, the available evidence is currently insufficient to determine the role of this variant in disease. Therefore, it has been classified as a Variant of Uncertain Significance.

Ambry Genetics
Classification: Uncertain significance for Inborn genetic diseases. Last evaluated: 2022-07-11. Review status: criteria provided, single submitter. Criteria: Ambry Variant Classification Scheme 2023. Collection method: clinical testing. Allele origin: germline.

Revvity Omics, Revvity
Classification: Uncertain significance for Schaaf-Yang syndrome. Last evaluated: 2020-07-27. Review status: criteria provided, single submitter. Criteria: ACMG Guidelines, 2015. Collection method: clinical testing. Allele origin: germline.

PreventionGenetics, part of Exact Sciences
Classification: Uncertain significance for MAGEL2-related condition. Last evaluated: 2023-12-29. Review status: no assertion criteria provided. Collection method: clinical testing. Allele origin: germline. Not counted in ClinVar's aggregate classification.
Comment: The MAGEL2 c.1742A>C variant is predicted to result in the amino acid substitution p.His581Pro. To our knowledge, this variant has not been reported in the literature. This variant is reported in 0.0078% of alleles in individuals of Latino descent in gnomAD. At this time, the clinical significance of this variant is uncertain due to the absence of conclusive functional and genetic evidence.